The following is an entry in ClinVar:

NM_000430.4(PAFAH1B1):c.936G>C (p.Leu312=)

Gene: PAFAH1B1 (platelet activating factor acetylhydrolase 1b regulatory subunit 1; plus strand). Cytogenetic location: 17p13.3.
Variant type: single nucleotide variant.
Coding change: c.936G>C on transcript NM_000430.4 (MANE Select); coding-DNA position 936, G replaced by C.
Protein change: p.Leu312=; no amino-acid change (leucine 312 retained).
Molecular consequence: synonymous variant.
Genome position (GRCh38, 1-based): chr17:2,676,540, G>C. VCF-style: chr17-2676540-G-C. GRCh37 (hg19) VCF-style: chr17-2579834-G-C.
Identifiers: ClinVar variation 1304462 (VCV001304462.2), dbSNP rs2069270710, ClinGen allele CA497425649.

ClinVar aggregate classification (germline): Uncertain significance (1 of 4 stars; one submission).

Submission:

GeneDx
Classification: Uncertain significance. Last evaluated: 2019-01-09. Review status: criteria provided, single submitter. Criteria: GeneDx Variant Classification Process June 2021. Collection method: clinical testing. Allele origin: germline. Affected: yes.
Comment: Not observed in large population cohorts (Lek et al., 2016); Has not been previously published as pathogenic or benign to our knowledge; In silico analysis, which includes splice predictors and evolutionary conservation, suggests this variant may impact gene splicing. In the absence of RNA/functional studies, the actual effect of this sequence change is unknown.